The following is an entry in ClinVar:

NM_000044.6(AR):c.416dup (p.Ala140fs)

Gene: AR (androgen receptor; plus strand). Cytogenetic location: Xq12.
Variant type: Duplication.
Coding change: c.416dup on transcript NM_000044.6 (MANE Select); coding-DNA position 416, one base duplicated (T; older notation c.416dupT).
Protein change: p.Ala140fs; shifts the reading frame from alanine 140.
Molecular consequence: frameshift variant. On other transcripts: 5 prime UTR variant (1).
Genome position (GRCh38, 1-based): chrX:67,545,562, T duplicated. VCF-style (leftmost placement, unchanged base first): chrX-67545561-G-GT. GRCh37 (hg19) VCF-style: chrX-66765403-G-GT.
Other names: c.-1368dup (NM_001011645.3); c.416dup, p.Ala140fs (NM_001348061.1, NM_001348063.1, NM_001348064.1); c.416dupT (NM_000044.2); c.416dup (NM_000044.2); short protein forms A140fs.
Identifiers: ClinVar variation 818002 (VCV000818002.2), dbSNP rs1602143677, ClinGen allele CA915951146.

ClinVar aggregate classification (germline): Pathogenic (1 of 4 stars; one submission).

Submission:

GeneDx
Classification: Pathogenic. Last evaluated: 2024-05-20. Review status: criteria provided, single submitter. Criteria: GeneDx Variant Classification Process June 2021. Collection method: clinical testing. Allele origin: germline. Affected: yes.
Comment: Frameshift variant predicted to result in protein truncation or nonsense mediated decay in a gene for which loss of function is a known mechanism of disease; Not observed at significant frequency in large population cohorts (gnomAD); Has not been previously published as pathogenic or benign to our knowledge